The following is an entry in ClinVar:

ClinVar aggregate classification (germline): Uncertain significance (1 of 4 stars; one submission).

gnomAD v4.1: 6 of 1,594,306 alleles (0.00038%); highest among the groups gnomAD compares: Non-Finnish European, 0.00052%; no homozygotes.

Submission:

Labcorp Genetics (formerly Invitae), Labcorp
Classification: Uncertain significance. Last evaluated: 2021-09-29. Review status: criteria provided, single submitter. Criteria: Invitae Variant Classification Sherloc (09022015). Collection method: clinical testing. Allele origin: germline.
Comment: This sequence change affects codon 405 of the RECQL mRNA. It is a 'silent' change, meaning that it does not change the encoded amino acid sequence of the RECQL protein. This variant is not present in population databases (ExAC no frequency). This variant has not been reported in the literature in individuals with RECQL-related conditions. Algorithms developed to predict the effect of sequence changes on RNA splicing suggest that this variant may disrupt the consensus splice site, but this prediction has not been confirmed by published transcriptional studies. In summary, the available evidence is currently insufficient to determine the role of this variant in disease. Therefore, it has been classified as a Variant of Uncertain Significance.

NM_002907.4(RECQL):c.1215A>T (p.Ala405=)

Gene: RECQL (RecQ like helicase; minus strand). Cytogenetic location: 12p12.1.
Variant type: single nucleotide variant.
Coding change: c.1215A>T on transcript NM_002907.4 (MANE Select); coding-DNA position 1215, A replaced by T.
Protein change: p.Ala405=; no amino-acid change (alanine 405 retained).
Molecular consequence: synonymous variant.
Genome position (GRCh38, 1-based): chr12:21,475,469, T>A on the plus strand (A>T on the coding strand, the complement: RECQL is on the minus strand). VCF-style: chr12-21475469-T-A. GRCh37 (hg19) VCF-style: chr12-21628403-T-A.
Other names: c.1215A>T, p.Ala405= (NM_032941.3).
Identifiers: ClinVar variation 1006317 (VCV001006317.9), dbSNP rs147610182, ClinGen allele CA478870339.